The following is an entry in ClinVar:

NM_001110556.2(FLNA):c.3251C>T (p.Ser1084Phe)

Gene: FLNA (filamin A; minus strand). Cytogenetic location: Xq28.
Variant type: single nucleotide variant.
Coding change: c.3251C>T on transcript NM_001110556.2 (MANE Select); coding-DNA position 3251, C replaced by T.
Protein change: p.Ser1084Phe; replaces serine 1084 with phenylalanine.
Molecular consequence: missense variant.
Genome position (GRCh38, 1-based): chrX:154,360,544, G>A on the plus strand (C>T on the coding strand, the complement: FLNA is on the minus strand). VCF-style: chrX-154360544-G-A. GRCh37 (hg19) VCF-style: chrX-153588912-G-A.
Other names: c.3251C>T (NM_001110556.1); c.3251C>T, p.Ser1084Phe (NM_001456.4); short protein forms S1084F.
Identifiers: ClinVar variation 1367227 (VCV001367227.14), dbSNP rs1557177797, ClinGen allele CA415229215.
Genomic context (GRCh38, chrX:154,360,544, plus strand): 5'-ACCGTCAGGCCCAGGCCACCTGTGCCGGCGCCCTTGGTGTCGATGGTGAAGCGGGCGGGG[G>A]AGCCCGCACTGCCTCCCTGCAGCCCCGGCCCAAACGCCTTCACCTGAGGGAAGAAGGGGT-3'
Protein context (NP_001104026.1, residues 1074-1094): GPGLQGGSAG[Ser1084Phe]PARFTIDTKG

ClinVar aggregate classification (germline): Conflicting classifications of pathogenicity. Review status: criteria provided, conflicting classifications (1 of 4 stars). 5 submissions from 5 submitters: Uncertain significance (3); Benign (1); Likely benign (1). Last evaluated 2026-06-18.

Conditions:
Heterotopia, periventricular, X-linked dominant (PVNH1). Also called: PERIVENTRICULAR NODULAR HETEROTOPIA 1; X-linked periventricular heterotopia; PERIVENTRICULAR NODULAR HETEROTOPIA 4; HETEROTOPIA, PERIVENTRICULAR, 1. Identifiers: Orphanet 2149, Orphanet 82004, MedGen C1848213, MONDO:0010233, OMIM 300049.
Oto-palato-digital syndrome, type II (OPD2). Also called: Otopalatodigital Syndrome, Type II; Otopalatodigital Syndrome Type 2 (FLNA-OPD2); FACIOPALATOOSSEOUS SYNDROME; OPD II SYNDROME. Identifiers: Orphanet 669, Orphanet 90652, MedGen C1844696, MONDO:0010571, OMIM 304120.
Frontometaphyseal dysplasia (FMD1). Identifiers: Orphanet 1826, MedGen C0265293, MONDO:0015942.
Melnick-Needles syndrome (MNS). Also called: Melnick-Needles Syndrome (FLNA-MNS); MELNICK-NEEDLES OSTEODYSPLASTY; OSTEODYSPLASTY OF MELNICK AND NEEDLES. Identifiers: Orphanet 2484, MedGen C0025237, MONDO:0010650, OMIM 309350.
FLNA-related disorder.
Familial thoracic aortic aneurysm and aortic dissection (TAAD). Also called: Thoracic aortic aneurysms and dissections. Identifiers: Orphanet 91387, MedGen C4707243, MONDO:0019625.

Allele frequency attached by ClinVar (database versions not stated): gnomAD exomes 0.00002 and 0.00001.
gnomAD v4.1: 15 of 1,209,690 alleles (0.0012%); highest among the groups gnomAD compares: South Asian, 0.0088%; 1 homozygote.

Submissions (5):

Ambry Genetics
Classification: Likely benign for Familial thoracic aortic aneurysm and aortic dissection. Last evaluated: 2026-06-18. Review status: criteria provided, single submitter. Criteria: Ambry Variant Classification Scheme 2023. Collection method: clinical testing. Allele origin: germline.

PreventionGenetics, part of Exact Sciences
Classification: Uncertain significance for FLNA-related condition. Last evaluated: 2026-02-09. Review status: criteria provided, single submitter. Criteria: ACMG Guidelines, 2015. Collection method: clinical testing. Allele origin: germline.
Comment: The FLNA c.3251C>T variant is predicted to result in the amino acid substitution p.Ser1084Phe. This variant was reported in an individual with dilated cardiomyopathy (Supplemental Table S3, Lenarduzzi et al. 2023. PubMed ID: 36788754). This variant is reported in 0.011% of alleles in individuals of South Asian descent in gnomAD. At this time, the clinical significance of this variant is uncertain due to the absence of conclusive functional and genetic evidence.

Labcorp Genetics (formerly Invitae), Labcorp
Classification: Benign for Oto-palato-digital syndrome, type II; Heterotopia, periventricular, X-linked dominant; Frontometaphyseal dysplasia; Melnick-Needles syndrome. Last evaluated: 2026-01-23. Review status: criteria provided, single submitter. Criteria: Invitae Variant Classification Sherloc (09022015). Collection method: clinical testing. Allele origin: germline.

Women's Health and Genetics/Laboratory Corporation of America, LabCorp
Classification: Uncertain significance. Last evaluated: 2025-10-07. Review status: criteria provided, single submitter. Criteria: LabCorp Variant Classification Summary - May 2015. Collection method: clinical testing. Allele origin: germline.
Comment: Variant summary: FLNA c.3251C>T (p.Ser1084Phe) results in a non-conservative amino acid change in the encoded protein sequence. Algorithms developed to predict the effect of missense changes on protein structure and function all suggest that this variant is likely to be disruptive. The variant allele was found at a frequency of 1.7e-05 in 174410 control chromosomes, including 2 hemizygotes. The available data on variant occurrences in the general population are insufficient to allow any conclusion about variant significance. To our knowledge, no occurrence of c.3251C>T in individuals affected with FLNA-related conditions and no experimental evidence demonstrating its impact on protein function have been reported. ClinVar contains an entry for this variant (Variation ID: 1367227). Based on the evidence outlined above, the variant was classified as uncertain significance.

Blueprint Genetics
Classification: Uncertain significance. Last evaluated: 2024-06-07. Review status: criteria provided, single submitter. Criteria: ACMG Guidelines, 2015. Collection method: clinical testing. Allele origin: germline.